The following is an entry in ClinVar:

NM_000553.6(WRN):c.3046A>G (p.Lys1016Glu)

Gene: WRN (WRN RecQ like helicase; plus strand). Cytogenetic location: 8p12.
Variant type: single nucleotide variant.
Coding change: c.3046A>G on transcript NM_000553.6 (MANE Select); coding-DNA position 3046, A replaced by G.
Protein change: p.Lys1016Glu; replaces lysine 1016 with glutamic acid.
Molecular consequence: missense variant.
Genome position (GRCh38, 1-based): chr8:31,141,508, A>G. VCF-style: chr8-31141508-A-G. GRCh37 (hg19) VCF-style: chr8-30999024-A-G.
Other names: short protein forms K1016E.
Identifiers: ClinVar variation 664527 (VCV000664527.4), dbSNP rs1585514476, ClinGen allele CA370922062.

ClinVar aggregate classification (germline): Uncertain significance (1 of 4 stars; one submission).

Conditions:
Werner syndrome (WRN). Identifiers: Orphanet 902, MedGen C0043119, MONDO:0010196, OMIM 277700.

Submission:

Labcorp Genetics (formerly Invitae), Labcorp
Classification: Uncertain significance for Werner syndrome. Last evaluated: 2018-10-29. Review status: criteria provided, single submitter. Criteria: Invitae Variant Classification Sherloc (09022015). Collection method: clinical testing. Allele origin: germline.
Comment: In summary, the available evidence is currently insufficient to determine the role of this variant in disease. Therefore, it has been classified as a Variant of Uncertain Significance. Algorithms developed to predict the effect of missense changes on protein structure and function are either unavailable or do not agree on the potential impact of this missense change (SIFT: "Tolerated"; PolyPhen-2: "Probably Damaging"; Align-GVGD: "Class C0"). This variant has not been reported in the literature in individuals with WRN-related disease. This variant is not present in population databases (ExAC no frequency). This sequence change replaces lysine with glutamic acid at codon 1016 of the WRN protein (p.Lys1016Glu). The lysine residue is highly conserved and there is a small physicochemical difference between lysine and glutamic acid.